The following is an entry in ClinVar:

NM_014780.5(CUL7):c.2396A>G (p.Gln799Arg)

Gene: CUL7 (cullin 7; minus strand). Cytogenetic location: 6p21.1.
Variant type: single nucleotide variant.
Coding change: c.2396A>G on transcript NM_014780.5 (MANE Select); coding-DNA position 2396, A replaced by G.
Protein change: p.Gln799Arg; replaces glutamine 799 with arginine.
Molecular consequence: missense variant.
Genome position (GRCh38, 1-based): chr6:43,046,881, T>C on the plus strand (A>G on the coding strand, the complement: CUL7 is on the minus strand). VCF-style: chr6-43046881-T-C. GRCh37 (hg19) VCF-style: chr6-43014619-T-C.
Other names: c.2492A>G, p.Gln831Arg (NM_001168370.2, NM_001374872.1); c.2396A>G, p.Gln799Arg (NM_001374873.1, NM_001374874.1); short protein forms Q799R, Q831R.
Identifiers: ClinVar variation 1499338 (VCV001499338.6), dbSNP rs2150325372, ClinGen allele CA364216119.

ClinVar aggregate classification (germline): Uncertain significance (1 of 4 stars; one submission).

Submission:

Labcorp Genetics (formerly Invitae), Labcorp
Classification: Uncertain significance. Last evaluated: 2025-03-17. Review status: criteria provided, single submitter. Criteria: Invitae Variant Classification Sherloc (09022015). Collection method: clinical testing. Allele origin: germline.
Comment: This sequence change replaces glutamine, which is neutral and polar, with arginine, which is basic and polar, at codon 799 of the CUL7 protein (p.Gln799Arg). This variant is not present in population databases (gnomAD no frequency). This variant has not been reported in the literature in individuals affected with CUL7-related conditions. ClinVar contains an entry for this variant (Variation ID: 1499338). An algorithm developed to predict the effect of missense changes on protein structure and function (PolyPhen-2) suggests that this variant is likely to be disruptive. Algorithms developed to predict the effect of sequence changes on RNA splicing suggest that this variant may disrupt the consensus splice site. In summary, the available evidence is currently insufficient to determine the role of this variant in disease. Therefore, it has been classified as a Variant of Uncertain Significance.